The following is an entry in ClinVar:

NM_004629.2(FANCG):c.416T>C (p.Leu139Pro)

Gene: FANCG (FA complementation group G; minus strand). Cytogenetic location: 9p13.3.
Variant type: single nucleotide variant.
Coding change: c.416T>C on transcript NM_004629.2 (MANE Select); coding-DNA position 416, T replaced by C.
Protein change: p.Leu139Pro; replaces leucine 139 with proline.
Molecular consequence: missense variant.
Genome position (GRCh38, 1-based): chr9:35,078,235, A>G on the plus strand (T>C on the coding strand, the complement: FANCG is on the minus strand). VCF-style: chr9-35078235-A-G. GRCh37 (hg19) VCF-style: chr9-35078232-A-G.
Other names: short protein forms L139P.
Identifiers: ClinVar variation 5036508 (VCV005036508.1).
Genomic context (GRCh38, chr9:35,078,235, plus strand): 5'-AGGTCCCCAAGACGGTCAGCACTCAACCAGAGGGCAGCCTGCAGGCCAACCAGGCGGTGC[A>G]GGGCAGACAGCAGCTCCGGCAGAAGGCAGGAAGCACGAAGGACAGAGTCCCACAGCTCCC-3'
Protein context (NP_004620.1, residues 129-149): SCLLPELLSA[Leu139Pro]HRLVGLQAAL

ClinVar aggregate classification (germline): Uncertain significance (1 of 4 stars; one submission).

Conditions:
Inborn genetic diseases. Identifiers: MedGen C0950123, MeSH D030342.

Submission:

Ambry Genetics
Classification: Uncertain significance for Inborn genetic diseases. Last evaluated: 2026-07-18. Review status: criteria provided, single submitter. Criteria: Ambry Variant Classification Scheme 2023. Collection method: clinical testing. Allele origin: germline.
Comment: The p.L139P variant (also known as c.416T>C), located in coding exon 4 of the FANCG gene, results from a T to C substitution at nucleotide position 416. The leucine at codon 139 is replaced by proline, an amino acid with similar properties. This amino acid position is conserved. In addition, this alteration is predicted to be deleterious by in silico analysis. Based on the available evidence, the clinical significance of this variant remains unclear.